The following is an entry in ClinVar:

NM_003183.6(ADAM17):c.323C>T (p.Thr108Ile)

Gene: ADAM17 (ADAM metallopeptidase domain 17; minus strand). Cytogenetic location: 2p25.1.
Variant type: single nucleotide variant.
Coding change: c.323C>T on transcript NM_003183.6 (MANE Select); coding-DNA position 323, C replaced by T.
Protein change: p.Thr108Ile; replaces threonine 108 with isoleucine.
Molecular consequence: missense variant. On other transcripts: 5 prime UTR variant (2).
Genome position (GRCh38, 1-based): chr2:9,536,736, G>A on the plus strand (C>T on the coding strand, the complement: ADAM17 is on the minus strand). VCF-style: chr2-9536736-G-A. GRCh37 (hg19) VCF-style: chr2-9676865-G-A.
Other names: c.-358C>T (NM_001382777.1); c.-600C>T (NM_001382778.1); short protein forms T108I.
Identifiers: ClinVar variation 4808640 (VCV004808640.1).

ClinVar aggregate classification (germline): Uncertain significance (1 of 4 stars; one submission).

Conditions:
Inflammatory skin and bowel disease, neonatal, 1. Identifiers: Orphanet 294023, MedGen C3280501, MONDO:0013693, OMIM 614328.

gnomAD v4.1: 1 of 1,614,054 alleles (0.000062%); highest among the groups gnomAD compares: Non-Finnish European, 0.000085%; no homozygotes.

Submission:

Labcorp Genetics (formerly Invitae), Labcorp
Classification: Uncertain significance for Inflammatory skin and bowel disease, neonatal, 1. Last evaluated: 2026-02-02. Review status: criteria provided, single submitter. Criteria: Invitae Variant Classification Sherloc (09022015). Collection method: clinical testing. Allele origin: germline.
Comment: This sequence change replaces threonine, which is neutral and polar, with isoleucine, which is neutral and non-polar, at codon 108 of the ADAM17 protein (p.Thr108Ile). This variant is not present in population databases (gnomAD no frequency). This variant has not been reported in the literature in individuals affected with ADAM17-related conditions. An algorithm developed to predict the effect of missense changes on protein structure and function (PolyPhen-2) suggests that this variant is likely to be tolerated. In summary, the available evidence is currently insufficient to determine the role of this variant in disease. Therefore, it has been classified as a Variant of Uncertain Significance.